The following is an entry in ClinVar:

ClinVar aggregate classification (germline): Likely pathogenic (1 of 4 stars; one submission).

Conditions:
Maturity-onset diabetes of the young type 4 (MODY4). Also called: Maturity-onset diabetes of the young, type IV; MODY, type IV. Identifiers: Orphanet 552, MedGen C1833382, MONDO:0011667, OMIM 606392.

Submission:

Women's Health and Genetics/Laboratory Corporation of America, LabCorp
Classification: Likely pathogenic for MODY4. Last evaluated: 2011-08-18. Review status: criteria provided, single submitter. Criteria: LabCorp Variant Classification Summary - May 2015. Collection method: curation, clinical testing. Allele origin: germline. Inheritance: autosomal unknown. Affected: yes.
ClinVar note: Converted during submission from likely pathogenic to Likely pathogenic.

NM_000209.4(PDX1):c.442C>G (p.Arg148Gly)

Gene: PDX1 (pancreatic and duodenal homeobox 1; plus strand). Cytogenetic location: 13q12.2.
Variant type: single nucleotide variant.
Coding change: c.442C>G on transcript NM_000209.4 (MANE Select); coding-DNA position 442, C replaced by G.
Protein change: p.Arg148Gly; replaces arginine 148 with glycine.
Molecular consequence: missense variant.
Genome position (GRCh38, 1-based): chr13:27,924,291, C>G. VCF-style: chr13-27924291-C-G. GRCh37 (hg19) VCF-style: chr13-28498428-C-G.
Other names: short protein forms R148G.
Identifiers: ClinVar variation 36407 (VCV000036407.3), dbSNP rs193922355, ClinGen allele CA214069.